The following is an entry in ClinVar:

NM_001126108.2(SLC12A3):c.1561A>G (p.Ile521Val)

Gene: SLC12A3 (solute carrier family 12 member 3; plus strand). Cytogenetic location: 16q13.
Variant type: single nucleotide variant.
Coding change: c.1561A>G on transcript NM_001126108.2 (MANE Select); coding-DNA position 1561, A replaced by G.
Protein change: p.Ile521Val; replaces isoleucine 521 with valine.
Molecular consequence: missense variant.
Genome position (GRCh38, 1-based): chr16:56,880,247, A>G. VCF-style: chr16-56880247-A-G. GRCh37 (hg19) VCF-style: chr16-56914159-A-G.
Other names: p.Ile521Val; c.1561A>G, p.Ile521Val (NM_000339.3); c.1558A>G, p.Ile520Val (NM_001126107.2); short protein forms I520V, I521V.
Identifiers: ClinVar variation 712200 (VCV000712200.21), dbSNP rs147046379, ClinGen allele CA8069517.

ClinVar aggregate classification (germline): Conflicting classifications of pathogenicity. Review status: criteria provided, conflicting classifications (1 of 4 stars). 8 submissions from 8 submitters: Uncertain significance (1); Likely benign (5). 2 of the submissions do not count toward it. Last evaluated 2026-01-28.

Conditions:
SLC12A3-related disorder. Also called: SLC12A3-related condition.
Familial hypokalemia-hypomagnesemia (GTLMNS). Also called: gitelman syndrome; HYPOMAGNESEMIA-HYPOKALEMIA, PRIMARY RENOTUBULAR, WITH HYPOCALCIURIA; POTASSIUM AND MAGNESIUM DEPLETION. Identifiers: Orphanet 358, MedGen C0268450, MONDO:0009904, OMIM 263800.

Allele frequency attached by ClinVar (database versions not stated): ExAC 0.00096; 1000 Genomes Project 30x 0.00156; gnomAD 0.00163 and 0.00175; 1000 Genomes Project 0.00180; ESP Exome Variant Server 0.00192; TOPMed 0.00205; gnomAD exomes 0.00031 and 0.00054.
gnomAD v4.1: 693 of 1,579,678 alleles (0.044%); highest among the groups gnomAD compares: African/African-American, 0.55%; no homozygotes.

Submissions (8):

Labcorp Genetics (formerly Invitae), Labcorp
Classification: Likely benign. Last evaluated: 2026-01-28. Review status: criteria provided, single submitter. Criteria: Invitae Variant Classification Sherloc (09022015). Collection method: clinical testing. Allele origin: germline.

Mayo Clinic Laboratories, Mayo Clinic
Classification: Likely benign. Last evaluated: 2025-12-17. Review status: criteria provided, single submitter. Criteria: ACMG Guidelines, 2015. Collection method: clinical testing. Allele origin: germline. Observed: 1 variant allele.
Comment: BS1

Blueprint Genetics
Classification: Likely benign. Last evaluated: 2024-11-26. Review status: criteria provided, single submitter. Criteria: ACMG Guidelines, 2015. Collection method: clinical testing. Allele origin: germline.

Revvity Omics, Revvity
Classification: Uncertain significance for Familial hypokalemia-hypomagnesemia. Last evaluated: 2022-12-06. Review status: criteria provided, single submitter. Criteria: ACMG Guidelines, 2015. Collection method: clinical testing. Allele origin: germline.

Fulgent Genetics
Classification: Likely benign for Familial hypokalemia-hypomagnesemia. Last evaluated: 2021-10-08. Review status: criteria provided, single submitter. Criteria: ACMG Guidelines, 2015. Collection method: clinical testing. Allele origin: unknown.

GeneDx
Classification: Likely benign. Last evaluated: 2020-10-23. Review status: criteria provided, single submitter. Criteria: GeneDx Variant Classification Process June 2021. Collection method: clinical testing. Allele origin: germline. Affected: yes.
Comment: This variant is associated with the following publications: (PMID: 31672324)

PreventionGenetics, part of Exact Sciences
Classification: Likely benign for SLC12A3-related condition. Last evaluated: 2024-09-25. Review status: no assertion criteria provided. Collection method: clinical testing. Allele origin: germline. Not counted in ClinVar's aggregate classification.
Comment: This variant is classified as likely benign based on ACMG/AMP sequence variant interpretation guidelines (Richards et al. 2015 PMID: 25741868, with internal and published modifications).

Natera, Inc.
Classification: Likely benign for Gitelman syndrome. Last evaluated: 2019-11-11. Review status: no assertion criteria provided. Collection method: clinical testing. Allele origin: germline. Not counted in ClinVar's aggregate classification.

Literature cited by the submitters: PubMed 31672324 (cited by Mayo Clinic Laboratories, Mayo Clinic).